The following is an entry in ClinVar:

ClinVar aggregate classification (germline): Benign/Likely benign. Review status: criteria provided, multiple submitters, no conflicts (2 of 4 stars). 3 submissions from 3 submitters: Benign (1); Likely benign (2). Last evaluated 2026-02-01.

Conditions:
Creatine transporter deficiency (CCDS1). Also called: Mental retardation , X-linked with seizures, short stature and midface hypoplasia; Mental retardation , X-linked, with creatine transport deficiency; X-linked creatine transporter deficiency; X-linked creatine deficiency syndrome; SLC6A8-Related Creatine Transporter Deficiency; CREATINE TRANSPORTER DEFECT. Identifiers: Orphanet 52503, MedGen C1845862, MONDO:0010305, OMIM 300352.

Allele frequency attached by ClinVar (database versions not stated): gnomAD 0.00010; ExAC 0.00013; TOPMed 0.00013; gnomAD exomes 0.00014; ESP Exome Variant Server 0.00038.
gnomAD v4.1: 414 of 1,208,341 alleles (0.034%); highest among the groups gnomAD compares: Non-Finnish European, 0.045%; no homozygotes.

Submissions (3):

Labcorp Genetics (formerly Invitae), Labcorp
Classification: Benign for Creatine transporter deficiency. Last evaluated: 2026-02-01. Review status: criteria provided, single submitter. Criteria: Invitae Variant Classification Sherloc (09022015). Collection method: clinical testing. Allele origin: germline.

Blueprint Genetics
Classification: Likely benign. Last evaluated: 2024-11-21. Review status: criteria provided, single submitter. Criteria: ACMG Guidelines, 2015. Collection method: clinical testing. Allele origin: germline.

GeneDx
Classification: Likely benign. Last evaluated: 2018-07-03. Review status: criteria provided, single submitter. Criteria: GeneDx Variant Classification Process June 2021. Collection method: clinical testing. Allele origin: germline. Affected: yes.
Comment: This variant is associated with the following publications: (PMID: 16738945, 20717164)

NM_005629.4(SLC6A8):c.1662G>A (p.Pro554=)

Gene: SLC6A8 (solute carrier family 6 member 8; plus strand). Cytogenetic location: Xq28.
Variant type: single nucleotide variant.
Coding change: c.1662G>A on transcript NM_005629.4 (MANE Select); coding-DNA position 1662, G replaced by A.
Protein change: p.Pro554=; no amino-acid change (proline 554 retained).
Molecular consequence: synonymous variant.
Genome position (GRCh38, 1-based): chrX:153,694,784, G>A. VCF-style: chrX-153694784-G-A. GRCh37 (hg19) VCF-style: chrX-152960239-G-A.
Other names: c.1632G>A, p.Pro544= (NM_001142805.2); c.1317G>A, p.Pro439= (NM_001142806.1).
Identifiers: ClinVar variation 383258 (VCV000383258.15), dbSNP rs149677083, ClinGen allele CA10549614.